The following is an entry in ClinVar:

NM_001099274.3(TINF2):c.1060G>A (p.Glu354Lys)

Gene: TINF2 (TERF1 interacting nuclear factor 2; minus strand). Cytogenetic location: 14q12.
Variant type: single nucleotide variant.
Coding change: c.1060G>A on transcript NM_001099274.3 (MANE Select); coding-DNA position 1060, G replaced by A.
Protein change: p.Glu354Lys; replaces glutamic acid 354 with lysine.
Molecular consequence: missense variant.
Genome position (GRCh38, 1-based): chr14:24,240,420, C>T on the plus strand (G>A on the coding strand, the complement: TINF2 is on the minus strand). VCF-style: chr14-24240420-C-T. GRCh37 (hg19) VCF-style: chr14-24709626-C-T.
Other names: c.955G>A, p.Glu319Lys (NM_001363668.2); c.1060G>A, p.Glu354Lys (NM_012461.3); short protein forms E319K, E354K.
Identifiers: ClinVar variation 1692543 (VCV001692543.1), dbSNP rs992428548, ClinGen allele CA257880868.
Genomic context (GRCh38, chr14:24,240,420, plus strand): 5'-ATGAAGGGAAGGCAGGCAAAGAATGTGCTCCTAGTAAGAAGCAACTCTGTTCCACTCACT[C>T]CTTTTGCTCTGTGGCAGGCAAGTCAACTGGGTTCTCCTTCAGAGCCCTTCCCCCCAGGGT-3'
Protein context (NP_001092744.1, residues 344-364): PVDLPATEQK[Glu354Lys]NCLDCYMDPL

ClinVar aggregate classification (germline): Uncertain significance (1 of 4 stars; one submission).

Conditions:
Dyskeratosis congenita. Identifiers: Orphanet 1775, MedGen C0265965, MONDO:0015780.

Allele frequency attached by ClinVar (database versions not stated): gnomAD exomes below 0.00001; gnomAD 0.00002.

Submission:

Sema4
Classification: Uncertain significance for Dyskeratosis congenita. Last evaluated: 2021-04-06. Review status: criteria provided, single submitter. Criteria: Sema4 Curation Guidelines. Collection method: curation. Allele origin: germline.
Comment: The TINF2 c.1060G>A (p.E354K) variant has not been reported in the literature to our knowledge. This variant was not observed in the large and broad cohorts of the Genome Aggregation Database (PMID: 32461654). The variant has not been reported in Clinvar. In silico tools suggest the impact of the variant on protein function is inconclusive, though these predictions have not been confirmed by functional studies. The overall evidence is insufficient to meet ACMG/AMP criteria for classifying it as benign or pathogenic. In summary, the clinical significance of this variant is currently uncertain.